The following is an entry in ClinVar:

NM_000130.5(F5):c.1689dup (p.Asn564fs)

Gene: F5 (coagulation factor V; minus strand). Cytogenetic location: 1q24.2.
Variant type: Duplication.
Coding change: c.1689dup on transcript NM_000130.5 (MANE Select); coding-DNA position 1689, one base duplicated (C; older notation c.1689dupC).
Protein change: p.Asn564fs; shifts the reading frame from asparagine 564.
Molecular consequence: frameshift variant.
Genome position (GRCh38, 1-based): chr1:169,546,515, G duplicated on the plus strand (C on the coding strand, the reverse complement: F5 is on the minus strand). VCF-style (leftmost placement, unchanged base first): chr1-169546514-T-TG. GRCh37 (hg19) VCF-style: chr1-169515752-T-TG.
Other names: c.1689dupC (NM_000130.4); short protein forms N564fs.
Identifiers: ClinVar variation 4996426 (VCV004996426.1).

ClinVar aggregate classification (germline): Likely pathogenic (1 of 4 stars; one submission).

Conditions:
F5-related disorder. Also called: F5-related condition.

Submission:

PreventionGenetics, part of Exact Sciences
Classification: Likely pathogenic for F5-related condition. Last evaluated: 2025-10-08. Review status: criteria provided, single submitter. Criteria: ACMG Guidelines, 2015. Collection method: clinical testing. Allele origin: germline.
Comment: The F5 c.1689dupC variant is predicted to result in a frameshift and premature protein termination (p.Asn564Glnfs*5). To our knowledge, this variant has not been reported in the literature or in a large population database (gnomAD), indicating this variant is rare. Frameshift variants in F5 are expected to be pathogenic. This variant is interpreted as likely pathogenic.